The following is an entry in ClinVar:

ClinVar aggregate classification (germline): Uncertain significance. Review status: criteria provided, multiple submitters, no conflicts (2 of 4 stars). 4 submissions from 4 submitters: Uncertain significance (4). Last evaluated 2025-10-29.

Conditions:
Inborn genetic diseases. Identifiers: MedGen C0950123, MeSH D030342.
Lafora disease. Also called: Epilepsy progressive myoclonic 2. Identifiers: Orphanet 501, MedGen C0751783, MONDO:0009697.

Allele frequency attached by ClinVar (database versions not stated): gnomAD exomes 0.00002; ExAC 0.00001; gnomAD 0.00008 and 0.00006; 1000 Genomes Project 30x 0.00016; TOPMed 0.00006; ESP Exome Variant Server 0.00023.
gnomAD v4.1: 24 of 1,614,100 alleles (0.0015%); highest among the groups gnomAD compares: African/African-American, 0.024%; no homozygotes.

Submissions (4):

Ambry Genetics
Classification: Uncertain significance for Inborn genetic diseases. Last evaluated: 2025-10-29. Review status: criteria provided, single submitter. Criteria: Ambry Variant Classification Scheme 2023. Collection method: clinical testing. Allele origin: germline.

Labcorp Genetics (formerly Invitae), Labcorp
Classification: Uncertain significance for Lafora disease. Last evaluated: 2022-07-05. Review status: criteria provided, single submitter. Criteria: Invitae Variant Classification Sherloc (09022015). Collection method: clinical testing. Allele origin: germline.
Comment: This sequence change replaces alanine, which is neutral and non-polar, with valine, which is neutral and non-polar, at codon 247 of the NHLRC1 protein (p.Ala247Val). This variant is present in population databases (rs367906378, gnomAD 0.03%). This variant has not been reported in the literature in individuals affected with NHLRC1-related conditions. ClinVar contains an entry for this variant (Variation ID: 289375). Algorithms developed to predict the effect of missense changes on protein structure and function (SIFT, PolyPhen-2, Align-GVGD) all suggest that this variant is likely to be tolerated. In summary, the available evidence is currently insufficient to determine the role of this variant in disease. Therefore, it has been classified as a Variant of Uncertain Significance.

GeneDx
Classification: Uncertain significance. Last evaluated: 2022-01-18. Review status: criteria provided, single submitter. Criteria: GeneDx Variant Classification Process June 2021. Collection method: clinical testing. Allele origin: germline. Affected: yes.
Comment: In silico analysis supports that this missense variant does not alter protein structure/function; Has not been previously published as pathogenic or benign to our knowledge

Eurofins Ntd Llc (ga)
Classification: Uncertain significance. Last evaluated: 2016-07-19. Review status: criteria provided, single submitter. Criteria: EGL Classification Definitions 2015. Collection method: clinical testing. Allele origin: germline. Observed: 1 variant allele, 1 heterozygote.

NM_198586.3(NHLRC1):c.740C>T (p.Ala247Val)

Gene: NHLRC1 (NHL repeat containing E3 ubiquitin protein ligase 1; minus strand). Cytogenetic location: 6p22.3.
Variant type: single nucleotide variant.
Coding change: c.740C>T on transcript NM_198586.3 (MANE Select); coding-DNA position 740, C replaced by T.
Protein change: p.Ala247Val; replaces alanine 247 with valine.
Molecular consequence: missense variant.
Genome position (GRCh38, 1-based): chr6:18,121,867, G>A on the plus strand (C>T on the coding strand, the complement: NHLRC1 is on the minus strand). VCF-style: chr6-18121867-G-A. GRCh37 (hg19) VCF-style: chr6-18122098-G-A.
Other names: short protein forms A247V.
Identifiers: ClinVar variation 289375 (VCV000289375.16), dbSNP rs367906378, ClinGen allele CA3649949.